The following is an entry in ClinVar:

ClinVar aggregate classification (germline): Uncertain significance (1 of 4 stars; one submission).

Submission:

GeneDx
Classification: Uncertain significance. Last evaluated: 2025-05-17. Review status: criteria provided, single submitter. Criteria: GeneDx Variant Classification Process June 2021. Collection method: clinical testing. Allele origin: germline. Affected: yes.
Comment: Not observed at significant frequency in large population cohorts (gnomAD); In-frame deletion of 1 amino acid(s) in a non-repeat region; In silico analysis supports a deleterious effect on protein structure/function; Has not been previously published as pathogenic or benign to our knowledge

NM_001378418.1(TCF20):c.5764GAG[1] (p.Glu1923del)

Gene: TCF20 (transcription factor 20; minus strand). Cytogenetic location: 22q13.2.
Variant type: Microsatellite.
Coding change: c.5764GAG[1] on transcript NM_001378418.1 (MANE Select); one copy of the 3-base unit GAG starting at c.5764; the reference has two copies in a row; one copy, 3 bases deleted.
Protein change: p.Glu1923del; deletes glutamic acid 1923.
Genome position (GRCh38, 1-based): chr22:42,169,877-42,169,879, CTC deleted on the plus strand (GAG on the coding strand, the reverse complement: TCF20 is on the minus strand); deleting any 3 consecutive bases within chr22:42,169,877-42,169,882 gives the same sequence; the position shown is the placement nearest the transcript's 3' end. VCF-style (leftmost placement, unchanged base first): chr22-42169876-TCTC-T. GRCh37 (hg19) VCF-style: chr22-42565882-TCTC-T.
Other names: c.5764GAG[1], p.Glu1923del (NM_005650.4, NM_181492.3); short protein forms E1923del.
Identifiers: ClinVar variation 4530907 (VCV004530907.1).